The following is an entry in ClinVar:

NM_000465.4(BARD1):c.2258G>T (p.Gly753Val)

Gene: BARD1 (BRCA1 associated RING domain 1; minus strand). Cytogenetic location: 2q35.
Variant type: single nucleotide variant.
Coding change: c.2258G>T on transcript NM_000465.4 (MANE Select); coding-DNA position 2258, G replaced by T.
Protein change: p.Gly753Val; replaces glycine 753 with valine.
Molecular consequence: missense variant. On other transcripts: non-coding transcript variant (3).
Genome position (GRCh38, 1-based): chr2:214,728,752, C>A on the plus strand (G>T on the coding strand, the complement: BARD1 is on the minus strand). VCF-style: chr2-214728752-C-A. GRCh37 (hg19) VCF-style: chr2-215593476-C-A.
Other names: c.2201G>T, p.Gly734Val (NM_001282543.2); c.905G>T, p.Gly302Val (NM_001282545.2); c.848G>T, p.Gly283Val (NM_001282548.2); c.719G>T, p.Gly240Val (NM_001282549.2); c.2258G>T (NM_000465.2); short protein forms G240V, G283V, G302V, G734V, G753V.
Identifiers: ClinVar variation 649553 (VCV000649553.11), dbSNP rs867281641, ClinGen allele CA350449976.

ClinVar aggregate classification (germline): Uncertain significance. Review status: criteria provided, multiple submitters, no conflicts (2 of 4 stars). 2 submissions from 2 submitters: Uncertain significance (2). Last evaluated 2023-05-08.

Conditions:
Hereditary cancer-predisposing syndrome. Also called: Neoplastic Syndromes, Hereditary; Tumor predisposition; Hereditary Cancer Syndrome; Hereditary neoplastic syndrome. Identifiers: Orphanet 140162, MedGen C0027672, MeSH D009386, MONDO:0015356.
Familial cancer of breast. Also called: hereditary breast carcinoma; Hereditary breast cancer; BREAST CANCER, FAMILIAL. Identifiers: Orphanet 227535, MedGen C0346153, MONDO:0016419, OMIM 114480. Disease mechanism: loss of function.

Submissions (2):

Ambry Genetics
Classification: Uncertain significance for Hereditary cancer-predisposing syndrome. Last evaluated: 2023-05-08. Review status: criteria provided, single submitter. Criteria: Ambry Variant Classification Scheme 2023. Collection method: clinical testing. Allele origin: germline.
Comment: The p.G753V variant (also known as c.2258G>T), located in coding exon 11 of the BARD1 gene, results from a G to T substitution at nucleotide position 2258. The glycine at codon 753 is replaced by valine, an amino acid with dissimilar properties. This amino acid position is conserved. In addition, the in silico prediction for this alteration is inconclusive. Since supporting evidence is limited at this time, the clinical significance of this alteration remains unclear.

Labcorp Genetics (formerly Invitae), Labcorp
Classification: Uncertain significance for Familial cancer of breast. Last evaluated: 2018-09-20. Review status: criteria provided, single submitter. Criteria: Invitae Variant Classification Sherloc (09022015). Collection method: clinical testing. Allele origin: germline.
Comment: This sequence change replaces glycine with valine at codon 753 of the BARD1 protein (p.Gly753Val). The glycine residue is highly conserved and there is a moderate physicochemical difference between glycine and valine. This variant is not present in population databases (ExAC no frequency). This variant has not been reported in the literature in individuals with BARD1-related disease. Algorithms developed to predict the effect of missense changes on protein structure and function (SIFT, PolyPhen-2, Align-GVGD) all suggest that this variant is likely to be disruptive, but these predictions have not been confirmed by published functional studies and their clinical significance is uncertain. Algorithms developed to predict the effect of sequence changes on RNA splicing suggest that this variant may create or strengthen a splice site, but this prediction has not been confirmed by published transcriptional studies. In summary, the available evidence is currently insufficient to determine the role of this variant in disease. Therefore, it has been classified as a Variant of Uncertain Significance.